The following is an entry in ClinVar:

ClinVar aggregate classification (germline): Benign. Review status: criteria provided, multiple submitters, no conflicts (2 of 4 stars). 3 submissions from 3 submitters: Benign (3). Last evaluated 2025-12-01.

Conditions:
Familial acute necrotizing encephalopathy (IIAE3). Also called: ENCEPHALOPATHY, ACUTE, INFECTION-INDUCED, SUSCEPTIBILITY TO, 3; Susceptibility to Acute Necrotizing Encephalopathy 1. Identifiers: Orphanet 88619, MedGen C2675556, MONDO:0011953, OMIM 608033.

Allele frequency attached by ClinVar (database versions not stated): gnomAD exomes 0.00231 and 0.00633; ExAC 0.00783; ESP Exome Variant Server 0.02138; gnomAD 0.02406 and 0.02567; TOPMed 0.02726; 1000 Genomes Project 0.02776; 1000 Genomes Project 30x 0.02983.
gnomAD v4.1: 7,164 of 1,610,956 alleles (0.44%); highest among the groups gnomAD compares: African/African-American, 8.5%; 302 homozygotes.

Submissions (3):

Labcorp Genetics (formerly Invitae), Labcorp
Classification: Benign for Familial acute necrotizing encephalopathy. Last evaluated: 2025-12-01. Review status: criteria provided, single submitter. Criteria: Invitae Variant Classification Sherloc (09022015). Collection method: clinical testing. Allele origin: germline.

GeneDx
Classification: Benign. Last evaluated: 2016-02-22. Review status: criteria provided, single submitter. Criteria: GeneDx Variant Classification (06012015). Collection method: clinical testing. Allele origin: germline. Affected: yes.
Comment: This variant is considered likely benign or benign based on one or more of the following criteria: it is a conservative change, it occurs at a poorly conserved position in the protein, it is predicted to be benign by multiple in silico algorithms, and/or has population frequency not consistent with disease.

Breakthrough Genomics
Classification: Benign. Review status: criteria provided, single submitter. Criteria: ACMG Guidelines, 2015. Collection method: not provided. Allele origin: germline. Inheritance: Autosomal dominant inheritance. Affected: yes.

NM_006267.5(RANBP2):c.2562A>G (p.Gly854=)

Gene: RANBP2 (RAN binding protein 2; plus strand). Cytogenetic location: 2q13.
Variant type: single nucleotide variant.
Coding change: c.2562A>G on transcript NM_006267.5 (MANE Select); coding-DNA position 2562, A replaced by G.
Protein change: p.Gly854=; no amino-acid change (glycine 854 retained).
Molecular consequence: synonymous variant.
Genome position (GRCh38, 1-based): chr2:108,758,508, A>G. VCF-style: chr2-108758508-A-G. GRCh37 (hg19) VCF-style: chr2-109374964-A-G.
Identifiers: ClinVar variation 382089 (VCV000382089.13), dbSNP rs13426055, ClinGen allele CA1822737.